The following is an entry in ClinVar:

NM_001365480.1(CCDC88A):c.4322A>G (p.Asp1441Gly)

Gene: CCDC88A (coiled-coil domain containing 88A; minus strand). Cytogenetic location: 2p16.1.
Variant type: single nucleotide variant.
Coding change: c.4322A>G on transcript NM_001365480.1 (MANE Select); coding-DNA position 4322, A replaced by G.
Protein change: p.Asp1441Gly; replaces aspartic acid 1441 with glycine.
Molecular consequence: missense variant.
Genome position (GRCh38, 1-based): chr2:55,308,874, T>C on the plus strand (A>G on the coding strand, the complement: CCDC88A is on the minus strand). VCF-style: chr2-55308874-T-C. GRCh37 (hg19) VCF-style: chr2-55536010-T-C.
Other names: c.4319A>G, p.Asp1440Gly (NM_001135597.2, NM_001254943.2); c.4322A>G, p.Asp1441Gly (NM_018084.5); short protein forms D1441G, D1440G.
Identifiers: ClinVar variation 1504755 (VCV001504755.5), dbSNP rs1037048123, ClinGen allele CA346884470.

ClinVar aggregate classification (germline): Uncertain significance (1 of 4 stars; one submission).

gnomAD v4.1: 1 of 1,614,128 alleles (0.000062%); no homozygotes.

Submission:

Labcorp Genetics (formerly Invitae), Labcorp
Classification: Uncertain significance. Last evaluated: 2021-09-24. Review status: criteria provided, single submitter. Criteria: Invitae Variant Classification Sherloc (09022015). Collection method: clinical testing. Allele origin: germline.
Comment: This sequence change replaces aspartic acid with glycine at codon 1440 of the CCDC88A protein (p.Asp1440Gly). The aspartic acid residue is moderately conserved and there is a moderate physicochemical difference between aspartic acid and glycine. This variant is not present in population databases (ExAC no frequency). This variant has not been reported in the literature in individuals with CCDC88A-related conditions. Algorithms developed to predict the effect of missense changes on protein structure and function are either unavailable or do not agree on the potential impact of this missense change (SIFT: "Deleterious"; PolyPhen-2: "Possibly Damaging"; Align-GVGD: "Class C0"). Algorithms developed to predict the effect of sequence changes on RNA splicing suggest that this variant may create or strengthen a splice site, but this prediction has not been confirmed by published transcriptional studies. In summary, the available evidence is currently insufficient to determine the role of this variant in disease. Therefore, it has been classified as a Variant of Uncertain Significance.